The following is an entry in ClinVar:

ClinVar aggregate classification (germline): Pathogenic. Review status: criteria provided, multiple submitters, no conflicts (2 of 4 stars). 3 submissions from 3 submitters: Pathogenic (3). Last evaluated 2021-08-10.

Conditions:
Neuronal ceroid lipofuscinosis. Also called: Neuronal Ceroid Lipofuscinoses. Identifiers: Orphanet 216, Orphanet 79263, MedGen C0027877, MONDO:0016295. Disease mechanism: loss of function.
Neuronal ceroid lipofuscinosis 3 (CLN3). Identifiers: Orphanet 228346, MedGen C0751383, MONDO:0008767, OMIM 204200.

Submissions (3):

Genome-Nilou Lab
Classification: Pathogenic for Neuronal ceroid lipofuscinosis 3. Last evaluated: 2021-08-10. Review status: criteria provided, single submitter. Criteria: ACMG Guidelines, 2015. Collection method: clinical testing. Allele origin: germline. Affected: no.

GeneDx
Classification: Pathogenic. Last evaluated: 2018-09-26. Review status: criteria provided, single submitter. Criteria: GeneDx Variant Classification (06012015). Collection method: clinical testing. Allele origin: germline. Affected: yes.
Comment: The c.569dupG variant in the CLN3 gene has not been reported previously as a pathogenic variant nor as a benign variant, to our knowledge. The c.569dupG variant causes a frameshift starting with codon Alanine 191, changes this amino acid to a Serine residue, and creates a premature Stop codon at position 45 of the new reading frame, denoted p.Ala191SerfsX45. This variant is predicted to cause loss of normal protein function either through protein truncation or nonsense-mediated mRNA decay. The c.569dupG variant is not observed in large population cohorts (Lek et al., 2016). We interpret c.569dupG as a pathogenic variant.

Labcorp Genetics (formerly Invitae), Labcorp
Classification: Pathogenic for Neuronal ceroid lipofuscinosis. Last evaluated: 2017-02-25. Review status: criteria provided, single submitter. Criteria: Invitae Variant Classification Sherloc (09022015). Collection method: clinical testing. Allele origin: germline.
Comment: For these reasons, this variant has been classified as Pathogenic. While this particular variant has not been reported in the literature, loss-of-function variants in CLN3 are known to be pathogenic (PMID: 9311735). This sequence change inserts 1 nucleotide in exon 9 of the CLN3 mRNA (c.569dupG), causing a frameshift at codon 191. This creates a premature translational stop signal (p.Ala191Serfs*45) and is expected to result in an absent or disrupted protein product.

Literature cited by the submitters: PubMed 9311735 (cited by Labcorp Genetics (formerly Invitae), Labcorp).

NM_001042432.2(CLN3):c.569dup (p.Ala191fs)

Gene: CLN3 (CLN3 lysosomal/endosomal transmembrane protein, battenin; minus strand). Cytogenetic location: 16p12.1.
Variant type: Duplication.
Coding change: c.569dup on transcript NM_001042432.2 (MANE Select); coding-DNA position 569, one base duplicated (G; older notation c.569dupG).
Protein change: p.Ala191fs; shifts the reading frame from alanine 191.
Molecular consequence: frameshift variant.
Genome position (GRCh38, 1-based): chr16:28,486,455, C duplicated on the plus strand (G on the coding strand, the reverse complement: CLN3 is on the minus strand); the first of 5 consecutive C bases (chr16:28,486,455-28,486,459); duplicating any one gives the same sequence. VCF-style (leftmost placement, unchanged base first): chr16-28486454-T-TC. GRCh37 (hg19) VCF-style: chr16-28497775-T-TC.
Other names: c.569dup, p.Ala191fs (NM_000086.2); c.497dup, p.Ala167fs (NM_001286104.2); c.269dup, p.Ala91fs (NM_001286105.2); c.335dup, p.Ala113fs (NM_001286109.2); c.407dup, p.Ala137fs (NM_001286110.2); c.569dupG (NM_001042432.1); short protein forms A113fs, A91fs, A191fs, A137fs, A167fs.
Identifiers: ClinVar variation 457954 (VCV000457954.12), dbSNP rs386833732, ClinGen allele CA7980882.